The following is an entry in ClinVar:

NM_001167.4(XIAP):c.368G>A (p.Ser123Asn)

Gene: XIAP (X-linked inhibitor of apoptosis; plus strand). Cytogenetic location: Xq25.
Variant type: single nucleotide variant.
Coding change: c.368G>A on transcript NM_001167.4 (MANE Select); coding-DNA position 368, G replaced by A.
Protein change: p.Ser123Asn; replaces serine 123 with asparagine.
Molecular consequence: missense variant.
Genome position (GRCh38, 1-based): chrX:123,886,030, G>A. VCF-style: chrX-123886030-G-A. GRCh37 (hg19) VCF-style: chrX-123019880-G-A.
Other names: c.368G>A (NM_001167.3); c.368G>A, p.Ser123Asn (NM_001204401.2, NM_001378590.1, NM_001378591.1 and 1 more transcripts); short protein forms S123N.
Identifiers: ClinVar variation 1417878 (VCV001417878.7), dbSNP rs368343771, ClinGen allele CA10508018.

ClinVar aggregate classification (germline): Conflicting classifications of pathogenicity. Review status: criteria provided, conflicting classifications (1 of 4 stars). 2 submissions from 2 submitters: Likely pathogenic (1); Uncertain significance (1). Last evaluated 2025-10-14.

Conditions:
X-linked lymphoproliferative disease due to XIAP deficiency. Also called: XIAP DEFICIENCY; XIAP-Related Lymphoproliferative Disease, X-Linked. Identifiers: Orphanet 2442, Orphanet 538934, MedGen C1845076, MONDO:0010385, OMIM 300635.

Allele frequency attached by ClinVar (database versions not stated): ExAC 0.00001; gnomAD exomes 0.00001; gnomAD 0.00003; TOPMed 0.00006; ESP Exome Variant Server 0.00009.
gnomAD v4.1: 10 of 1,210,396 alleles (0.00083%); highest among the groups gnomAD compares: African/African-American, 0.012%; no homozygotes.

Submissions (2):

Labcorp Genetics (formerly Invitae), Labcorp
Classification: Uncertain significance for X-linked lymphoproliferative disease due to XIAP deficiency. Last evaluated: 2025-10-14. Review status: criteria provided, single submitter. Criteria: Invitae Variant Classification Sherloc (09022015). Collection method: clinical testing. Allele origin: germline.
Comment: This sequence change replaces serine, which is neutral and polar, with asparagine, which is neutral and polar, at codon 123 of the XIAP protein (p.Ser123Asn). This variant is present in population databases (rs368343771, gnomAD 0.008%). This missense change has been observed in individual(s) with Crohn’s disease (PMID: 29501442). ClinVar contains an entry for this variant (Variation ID: 1417878). Invitae Evidence Modeling of protein sequence and biophysical properties (such as structural, functional, and spatial information, amino acid conservation, physicochemical variation, residue mobility, and thermodynamic stability) indicates that this missense variant is not expected to disrupt XIAP protein function with a negative predictive value of 80%. Experimental studies have shown that this missense change affects XIAP function (PMID: 29501442). In summary, the available evidence is currently insufficient to determine the role of this variant in disease. Therefore, it has been classified as a Variant of Uncertain Significance.

GeneDx
Classification: Likely pathogenic. Last evaluated: 2024-05-06. Review status: criteria provided, single submitter. Criteria: GeneDx Variant Classification Process June 2021. Collection method: clinical testing. Allele origin: germline. Affected: yes.
Comment: Published functional studies demonstrate a damaging effect on NOD2 signaling activation (PMID: 29501442); This variant is associated with the following publications: (PMID: 36435061, 29501442)

Literature cited by the submitters: PubMed 29501442 (cited by Labcorp Genetics (formerly Invitae), Labcorp).